The following is an entry in ClinVar:

ClinVar aggregate classification (germline): Conflicting classifications of pathogenicity. Review status: criteria provided, conflicting classifications (1 of 4 stars). 18 submissions from 18 submitters: Uncertain significance (15); Benign (1); Likely benign (1). 1 of the submissions does not count toward it. Last evaluated 2026-04-22.

Conditions:
CFTR-related disorder (CFTR-RD). Also called: CFTR-related condition; CFTR-related disorders. Identifiers: MedGen C5924204, MONDO:7770004.
Bronchiectasis with or without elevated sweat chloride 1 (BESC1). Also called: Cystic Fibrosis-Like Syndrome. Identifiers: Orphanet 60033, MedGen C2749757, MONDO:0008887, OMIM 211400.
Congenital bilateral aplasia of vas deferens from CFTR mutation (CBAVD). Identifiers: Orphanet 48, MedGen C0403814, MONDO:0010178, OMIM 277180. Disease mechanism: loss of function.
Hereditary pancreatitis (PCTT). Also called: PRSS1-Related Hereditary Pancreatitis; Hereditary chronic pancreatitis. Identifiers: Orphanet 676, MedGen C0238339, MONDO:0008185, OMIM 167800.
Cystic fibrosis (CF). Also called: MUCOVISCIDOSIS. Identifiers: Orphanet 586, MedGen C0010674, MONDO:0009061, OMIM 219700. Disease mechanism: loss of function.

Allele frequency attached by ClinVar (database versions not stated): ESP Exome Variant Server 0.00015; 1000 Genomes Project 0.00020; gnomAD exomes 0.00024 and 0.00063; 1000 Genomes Project 30x 0.00031; ExAC 0.00041; gnomAD 0.00041 and 0.00043; TOPMed 0.00064.
gnomAD v4.1: 440 of 1,614,098 alleles (0.027%); highest among the groups gnomAD compares: Admixed American, 0.2%; 3 homozygotes.

Submissions 1 to 6 of 18:

PreventionGenetics, part of Exact Sciences
Classification: Uncertain significance for CFTR-related condition. Last evaluated: 2026-04-22. Review status: criteria provided, single submitter. Criteria: ACMG Guidelines, 2015. Collection method: clinical testing. Allele origin: germline.
Comment: The CFTR c.958T>G variant is predicted to result in the amino acid substitution p.Leu320Val. This variant has been reported with or without a second causative CFTR variant in individuals with atypical cystic fibrosis (CF) and CFTR-related disorders including pancreatitis and congenital bilateral absence of the vas deferens (see, for example: Schrijver et al. 2005. PubMed ID: 15858154; Pelletier et al. 2010. PubMed ID: 20460946; supplementary data, Masson. 2013. PubMed ID: 23951356; Behar et al. 2017. PubMed ID: 28546993; Pagin et al. 2020. PubMed ID: 31845523; CFTR France). This variant is listed as non-CF-causing when combined with another CF-causing variant in the CFTR2 database; however, its impact on CFTR-related disorders remains uncertain (CFTR2). Notably, of thirteen individuals identified through abnormal newborn screening who carried the CFTR c.958T>G and a second CFTR variant, none tested (n=12) had an abnormal sweat chloride test or pancreatic insufficiency after two to six years of follow up (Salinas et al. 2016. PubMed ID: 27214204). In vitro experimental studies show this variant does not impact protein function but may be responsive to treatment with a CFTR modulator combination (Bihler et al. 2024. PubMed ID: 38388235). This variant is reported in 0.66% of alleles in individuals of Ashkenazi Jewish descent in gnomAD, including two homozygous individuals. Taken together, we classify this variant as uncertain for CFTR-related disorders.

Labcorp Genetics (formerly Invitae), Labcorp
Classification: Benign for Cystic fibrosis. Last evaluated: 2026-02-02. Review status: criteria provided, single submitter. Criteria: Invitae Variant Classification Sherloc (09022015). Collection method: clinical testing. Allele origin: germline.

Women's Health and Genetics/Laboratory Corporation of America, LabCorp
Classification: Uncertain significance. Last evaluated: 2026-01-16. Review status: criteria provided, single submitter. Criteria: LabCorp Variant Classification Summary - May 2015. Collection method: clinical testing. Allele origin: germline.
Comment: Variant summary: CFTR c.958T>G (p.Leu320Val) results in a conservative amino acid change located in the ABC transporter type 1, transmembrane domain (IPR011527) of the encoded protein sequence. Algorithms developed to predict the effect of missense changes on protein structure and function are either unavailable or do not agree on the potential impact of this missense change. The variant allele was found at a frequency of 0.00063 in 251284 control chromosomes, predominantly at a frequency of 0.002 within the Latino subpopulation in the gnomAD database, including 1 homozygote. This frequency is not significantly higher than estimated for disease-causing variants in CFTR, allowing no conclusion about variant significance.c.958T>G has been reported in the literature in studies of individuals undergoing CFTR gene sequencing for CFTR-spectrum disorders such as idiopathic chronic pancreatitis, atypical CF phenotypes, and infertility/CBAVD (examples: Lucarelli_2010, Dorfman_2010, Pelletier_2010, Schrijver_2005, Keiles_2006, Schwartz_2009, Audrezet_2008, Masson_2013, Behar_2017) and in one case of an individual with Bohring-Opitz syndrome who harbored a disruptive frameshift mutation in the causative ASXL1 gene along with this variant and the pathogenic CFTR variant, p.F508del (Dangiolo_2015). However, the variant has also been reported in multiple individuals who carried a second CF-causing variant in trans and had a positive newborn screen for IRT, but were followed for 2-6 years and had no reported clinical CF phenotype (e.g. Salinas_2016). This finding suggests a benign role for the variant in association with CF, however other CFTR-related disorders could not be ruled out (e.g. Salinas_2016). In addition, the CFTR2 database reports the variant as non-CF causing in association with CF, stating that most individuals with this variant (combined with another CF-causing variant) will be healthy, although a small number of individuals may develop mild symptoms or be diagnosed with a CFTR-related disorder (CFTR-RD). At least one publication reports experimental evidence evaluating an impact on protein function. The most pronounced variant effect resulted in approximately 102% of normal chloride channel conductance relative to wild type (e.g., Bihler_2024). The following publications have been ascertained in the context of this evaluation (PMID: 18687795, 31036917, 28546993, 26364555, 20059485, 17003641, 20706124, 23951356, 32773111, 20460946, 28465863, 27214204, 34583889, 15858154, 19324992, 30134826, 38388235). ClinVar contains an entry for this variant (Variation ID: 35894). Based on the evidence outlined above, the variant was classified as VUS-possibly benign.

Mayo Clinic Laboratories, Mayo Clinic
Classification: Uncertain significance. Last evaluated: 2025-09-05. Review status: criteria provided, single submitter. Criteria: ACMG Guidelines, 2015. Collection method: clinical testing. Allele origin: germline. Observed: 4 variant alleles.

Dasa
Classification: Uncertain significance. Last evaluated: 2025-07-14. Review status: criteria provided, single submitter. Criteria: DASA Assertion Criteria. Collection method: clinical testing. Allele origin: germline.
Comment: NM_000492.4(CFTR):c.958T>G (p.Leu320Val) is a missense variant that results in the substitution of leucine with valine. Published studies describe this variant in association with related phenotype (PMID: 26364555; PMID: 20706124; PMID: 20460946; PMID: 18687795; PMID: 15858154). Also, this variant is rare in population databases. The currently available literature and clinical evidence are not sufficient to establish a definitive association between this variant and the reported condition. Therefore, this variant is classified as a variant of uncertain significance.

Ambry Genetics
Classification: Uncertain significance for Cystic fibrosis. Last evaluated: 2025-06-18. Review status: criteria provided, single submitter. Criteria: Ambry Variant Classification Scheme 2023. Collection method: clinical testing. Allele origin: germline.
Comment: The p.L320V variant (also known as c.958T>G), located in coding exon 8 of the CFTR gene, results from a T to G substitution at nucleotide position 958. The leucine at codon 320 is replaced by valine, an amino acid with highly similar properties. This alteration accounted for one cystic fibrosis (CF) allele in a cohort of Hispanic individuals with a clinical diagnosis of CF; specific clinical data and a pathogenic mutation in trans were not described (Schrijver I et al. J Mol Diagn. 2005;7(2):289-299). In another study, p.L320V was identified in a patient with idiopathic pancreatitis and was classified as causing a variable phenotype, including congenital absence of the vas deferens, chronic pancreatitis, or bronchiectasis (Pelletier AL et al. Pancreatology. 2010;10(2-3):158-164). In a retrospective study of newborns with positive newborn screening by immunoreactive trypsinogen, children carrying p.L320V in trans with a pathogenic mutation did not meet criteria for classic CF at follow-up (2 to 6 years); however, CFTR-related disorders were not ruled out (Salinas DB et al. PLoS ONE, 2016 May;11:e0155624; personal communication with Dr. Salinas). This alteration was also identified in an individual with an elevated sweat chloride and chronic pancreatitis. This individual also carried L997F however phase was not described (Sofia VM et al. Mol Med, 2018 07;24:38). This amino acid position is not well conserved in available vertebrate species. In addition, this alteration is predicted to be deleterious by in silico analysis. Based on available evidence to date, this variant is unlikely to be causative of classic CF; however, its contribution to the development of a CFTR-related disorder is uncertain.

NM_000492.4(CFTR):c.958T>G (p.Leu320Val)

Gene: CFTR (CF transmembrane conductance regulator; plus strand). Cytogenetic location: 7q31.2.
Variant type: single nucleotide variant.
Coding change: c.958T>G on transcript NM_000492.4 (MANE Select); coding-DNA position 958, T replaced by G.
Protein change: p.Leu320Val; replaces leucine 320 with valine.
Molecular consequence: missense variant.
Genome position (GRCh38, 1-based): chr7:117,540,188, T>G. VCF-style: chr7-117540188-T-G. GRCh37 (hg19) VCF-style: chr7-117180242-T-G.
Other names: short protein forms L320V.
Identifiers: ClinVar variation 35894 (VCV000035894.98), dbSNP rs144476686, ClinGen allele CA325718.
Genomic context (GRCh38, chr7:117,540,188, plus strand): 5'-GCCTATGTGAGATACTTCAATAGCTCAGCCTTCTTCTTCTCAGGGTTCTTTGTGGTGTTT[T>G]TATCTGTGCTTCCCTATGCACTAATCAAAGGAATCATCCTCCGGAAAATATTCACCACCA-3'
Protein context (NP_000483.3, residues 310-330): FFFSGFFVVF[Leu320Val]SVLPYALIKG